The following is an entry in ClinVar:

NM_000321.3(RB1):c.1832G>A (p.Arg611Lys)

Gene: RB1 (RB transcriptional corepressor 1; plus strand). Cytogenetic location: 13q14.2.
Variant type: single nucleotide variant.
Coding change: c.1832G>A on transcript NM_000321.3 (MANE Select); coding-DNA position 1832, G replaced by A.
Protein change: p.Arg611Lys; replaces arginine 611 with lysine.
Molecular consequence: missense variant.
Genome position (GRCh38, 1-based): chr13:48,456,221, G>A. VCF-style: chr13-48456221-G-A. GRCh37 (hg19) VCF-style: chr13-49030357-G-A.
Other names: c.1832G>A, p.Arg611Lys (NM_001407165.1); short protein forms R611K.
Identifiers: ClinVar variation 2895491 (VCV002895491.4), dbSNP rs1359386263, ClinGen allele CA388165719.

ClinVar aggregate classification (germline): Uncertain significance. Review status: criteria provided, multiple submitters, no conflicts (2 of 4 stars). 2 submissions from 2 submitters: Uncertain significance (2). Last evaluated 2024-06-18.

Conditions:
Retinoblastoma (RB1). Also called: RETINOBLASTOMA, SOMATIC. Identifiers: Orphanet 790, MedGen C0035335, MeSH D012175, MONDO:0008380, OMIM 180200, HP:0009919. Disease mechanism: loss of function. Inheritance: Both sporadic and heritable forms are tested..
Hereditary cancer-predisposing syndrome. Also called: Neoplastic Syndromes, Hereditary; Hereditary neoplastic syndrome; Tumor predisposition; Hereditary Cancer Syndrome. Identifiers: Orphanet 140162, MedGen C0027672, MeSH D009386, MONDO:0015356.

Allele frequency attached by ClinVar (database versions not stated): gnomAD exomes 0.00001.
gnomAD v4.1: 8 of 1,614,068 alleles (0.0005%); highest among the groups gnomAD compares: Non-Finnish European, 0.00068%; no homozygotes.

Submissions (2):

Ambry Genetics
Classification: Uncertain significance for Hereditary cancer-predisposing syndrome. Last evaluated: 2024-06-18. Review status: criteria provided, single submitter. Criteria: Ambry Variant Classification Scheme 2023. Collection method: clinical testing. Allele origin: germline.
Comment: The p.R611K variant (also known as c.1832G>A), located in coding exon 19 of the RB1 gene, results from a G to A substitution at nucleotide position 1832. The arginine at codon 611 is replaced by lysine, an amino acid with highly similar properties. This amino acid position is conserved. In addition, the in silico prediction for this alteration is inconclusive. Based on the available evidence, the clinical significance of this variant remains unclear.

Labcorp Genetics (formerly Invitae), Labcorp
Classification: Uncertain significance for Retinoblastoma. Last evaluated: 2023-04-08. Review status: criteria provided, single submitter. Criteria: Invitae Variant Classification Sherloc (09022015). Collection method: clinical testing. Allele origin: germline.
Comment: This sequence change replaces arginine, which is basic and polar, with lysine, which is basic and polar, at codon 611 of the RB1 protein (p.Arg611Lys). This variant is present in population databases (no rsID available, gnomAD 0.002%). In summary, the available evidence is currently insufficient to determine the role of this variant in disease. Therefore, it has been classified as a Variant of Uncertain Significance. Advanced modeling of protein sequence and biophysical properties (such as structural, functional, and spatial information, amino acid conservation, physicochemical variation, residue mobility, and thermodynamic stability) performed at Invitae indicates that this missense variant is not expected to disrupt RB1 protein function. This variant has not been reported in the literature in individuals affected with RB1-related conditions.